The following is an entry in ClinVar:

NM_001386298.1(CIC):c.3334C>T (p.Pro1112Ser)

Gene: CIC (capicua transcriptional repressor; plus strand). Cytogenetic location: 19q13.2.
Variant type: single nucleotide variant.
Coding change: c.3334C>T on transcript NM_001386298.1 (MANE Select); coding-DNA position 3334, C replaced by T.
Protein change: p.Pro1112Ser; replaces proline 1112 with serine.
Molecular consequence: missense variant.
Genome position (GRCh38, 1-based): chr19:42,287,569, C>T. VCF-style: chr19-42287569-C-T. GRCh37 (hg19) VCF-style: chr19-42791721-C-T.
Other names: c.3334C>T, p.Pro1112Ser (NM_001304815.2, NM_001379480.1, NM_001379482.1 and 6 more transcripts); c.607C>T, p.Pro203Ser (NM_001379484.1, NM_001379485.1, NM_001439189.1 and 3 more transcripts); short protein forms P1112S, P203S.
Identifiers: ClinVar variation 4530108 (VCV004530108.1).

ClinVar aggregate classification (somatic clinical impact): Tier I - Strong (1 of 4 stars; one submission).

Conditions:
oligodendroglioma, 1p 19q codeleted.

Submission:

Institute for Genomic Medicine (IGM) Clinical Laboratory, Nationwide Children's Hospital
Classification: Tier I - Strong for oligodendroglioma, 1p 19q codeleted. Assertion type: diagnostic. Clinical significance: supports diagnosis. Last evaluated: 2024-10-23. Review status: criteria provided, single submitter. Criteria: AMP/ASCO/CAP Guidelines, 2017. Collection method: clinical testing. Allele origin: somatic. Affected: yes.
Comment: Variant has Tier I (strong) clinical significance as a diagnostic inclusion criterion in oligodendroglioma, 1p 19q codeleted, based on the following evidence: 1) Documented in one or more cancer databases (e.g., St. Jude Pecan, COSMIC, CIViC, OncoKB). 2) Appears in one or more well-established professional guidelines (e.g., World Health Organization [WHO]; National Comprehensive Cancer Network [NCCN]) as providing diagnostic, prognostic, or therapeutic information. 3) Information in the literature supports potential biologic effect of variant (PMIDs: 28278156, 29578365, 32978089). 4) Diagnostic for a specific tumor type/classification based on well-powered studies with expert-level consensus (Evidence Level B; PMIDs: 21817013, 22072542, 22588899, 26017892).

Literature cited by the submitters: PubMed 28278156; PubMed 29578365; PubMed 32978089; PubMed 21817013; PubMed 22072542; PubMed 22588899; PubMed 26017892.